The following is an entry in ClinVar:

ClinVar aggregate classification (germline): Uncertain significance (1 of 4 stars; one submission).

Conditions:
Spastic ataxia 2. Also called: Ataxia, spastic, 2, autosomal recessive. Identifiers: Orphanet 397946, MedGen C1969796, MONDO:0012651, OMIM 611302.

Submission:

Labcorp Genetics (formerly Invitae), Labcorp
Classification: Uncertain significance for Spastic ataxia 2. Last evaluated: 2025-09-02. Review status: criteria provided, single submitter. Criteria: Invitae Variant Classification Sherloc (09022015). Collection method: clinical testing. Allele origin: germline.
Comment: This sequence change replaces glycine, which is neutral and non-polar, with alanine, which is neutral and non-polar, at codon 268 of the KIF1C protein (p.Gly268Ala). This variant is not present in population databases (gnomAD no frequency). This variant has not been reported in the literature in individuals affected with KIF1C-related conditions. ClinVar contains an entry for this variant (Variation ID: 1713365). Invitae Evidence Modeling of protein sequence and biophysical properties (such as structural, functional, and spatial information, amino acid conservation, physicochemical variation, residue mobility, and thermodynamic stability) has been performed for this missense variant. However, the output from this modeling did not meet the statistical confidence thresholds required to predict the impact of this variant on KIF1C protein function. In summary, the available evidence is currently insufficient to determine the role of this variant in disease. Therefore, it has been classified as a Variant of Uncertain Significance.

NM_006612.6(KIF1C):c.803G>C (p.Gly268Ala)

Genes: KIF1C (kinesin family member 1C; plus strand), LOC126862472 (CDK7 strongly-dependent group 2 enhancer GRCh37_chr17:4906716-4907915; plus strand). Cytogenetic location: 17p13.2.
Variant type: single nucleotide variant.
Coding change: c.803G>C on transcript NM_006612.6 (MANE Select); coding-DNA position 803, G replaced by C.
Protein change: p.Gly268Ala; replaces glycine 268 with alanine.
Molecular consequence: missense variant.
Genome position (GRCh38, 1-based): chr17:5,003,855, G>C. VCF-style: chr17-5003855-G-C. GRCh37 (hg19) VCF-style: chr17-4907150-G-C.
Other names: short protein forms G268A.
Identifiers: ClinVar variation 1713365 (VCV001713365.6), dbSNP rs2508148154, ClinGen allele CA397347371.